The following is an entry in ClinVar:

ClinVar aggregate classification (germline): Uncertain significance (1 of 4 stars; one submission).

Conditions:
Hypertrophic cardiomyopathy 2. Also called: TNNT2-Related Familial Hypertrophic Cardiomyopathy. Identifiers: MedGen C1861864, MONDO:0007266, OMIM 115195.
Cardiomyopathy, familial restrictive, 3. Identifiers: Orphanet 75249, MedGen C2676271, MONDO:0012900, OMIM 612422.
Dilated cardiomyopathy 1D. Identifiers: Orphanet 154, Orphanet 54260, MedGen C1832243, MONDO:0011095, OMIM 601494.

Allele frequency attached by ClinVar (database versions not stated): gnomAD exomes below 0.00001 and 0.00001.
gnomAD v4.1: 5 of 1,614,180 alleles (0.00031%); highest among the groups gnomAD compares: African/African-American, 0.0013%; no homozygotes.

Submission:

Labcorp Genetics (formerly Invitae), Labcorp
Classification: Uncertain significance for Cardiomyopathy, familial restrictive, 3; Hypertrophic cardiomyopathy 2; Dilated cardiomyopathy 1D. Last evaluated: 2023-12-29. Review status: criteria provided, single submitter. Criteria: Invitae Variant Classification Sherloc (09022015). Collection method: clinical testing. Allele origin: germline.
Comment: This sequence change replaces lysine, which is basic and polar, with threonine, which is neutral and polar, at codon 176 of the TNNT2 protein (p.Lys176Thr). This variant is present in population databases (no rsID available, gnomAD 0.0009%). This variant has not been reported in the literature in individuals affected with TNNT2-related conditions. ClinVar contains an entry for this variant (Variation ID: 663658). Advanced modeling of protein sequence and biophysical properties (such as structural, functional, and spatial information, amino acid conservation, physicochemical variation, residue mobility, and thermodynamic stability) performed at Invitae indicates that this missense variant is expected to disrupt TNNT2 protein function with a positive predictive value of 95%. In summary, the available evidence is currently insufficient to determine the role of this variant in disease. Therefore, it has been classified as a Variant of Uncertain Significance.

NM_001276345.2(TNNT2):c.557A>C (p.Lys186Thr)

Gene: TNNT2 (troponin T2, cardiac type; minus strand). Cytogenetic location: 1q32.1.
Variant type: single nucleotide variant.
Coding change: c.557A>C on transcript NM_001276345.2 (MANE Select); coding-DNA position 557, A replaced by C.
Protein change: p.Lys186Thr; replaces lysine 186 with threonine.
Molecular consequence: missense variant.
Genome position (GRCh38, 1-based): chr1:201,363,339, T>G on the plus strand (A>C on the coding strand, the complement: TNNT2 is on the minus strand). VCF-style: chr1-201363339-T-G. GRCh37 (hg19) VCF-style: chr1-201332467-T-G.
Other names: c.557A>C, p.Lys186Thr (NM_000364.4); c.527A>C, p.Lys176Thr (NM_001001430.3, NM_001001431.3, NM_001276347.2); c.512A>C, p.Lys171Thr (NM_001001432.3); c.437A>C, p.Lys146Thr (NM_001276346.2); short protein forms K171T, K176T, K146T, K186T.
Identifiers: ClinVar variation 663658 (VCV000663658.8), dbSNP rs1486862820, ClinGen allele CA344204384.
Genomic context (GRCh38, chr1:201,363,339, plus strand): 5'-TGCTGCTCCCTACCTACCTTCTGGATGTAACCCCCAAAATGCATCATGTTGGACAAAGCC[T>G]TCTTCTTCCGGGCCTCATCCTCAGCCTTCCTCCTGTTCTCCTCCTCCTCTCGTCGAGCCC-3'
Protein context (NP_001263274.1, residues 176-196): RKAEDEARKK[Lys186Thr]ALSNMMHFGG